The following is an entry in ClinVar:

ClinVar aggregate classification (germline): Uncertain significance. Review status: criteria provided, multiple submitters, no conflicts (2 of 4 stars). 3 submissions from 3 submitters: Uncertain significance (3). Last evaluated 2024-11-06.

Conditions:
Hyperaldosteronism, familial, type IV (HALD4). Also called: FH IV; ALDOSTERONISM, PRIMARY, AND HYPERTENSION. Identifiers: Orphanet 642671, MedGen C4310756, MONDO:0014875, OMIM 617027.
Epilepsy, childhood absence, susceptibility to, 6. Identifiers: Orphanet 64280, MedGen C2749872, MONDO:0012763, OMIM 611942.
Inborn genetic diseases. Identifiers: MedGen C0950123, MeSH D030342.
Idiopathic generalized epilepsy. Also called: Generalised epilepsy; EIG. Identifiers: MedGen C0270850, MONDO:0005579, OMIM 600669.

Allele frequency attached by ClinVar (database versions not stated): TOPMed 0.00002; gnomAD 0.00003; ExAC 0.00005; 1000 Genomes Project 30x 0.00016; 1000 Genomes Project 0.00020.

Submissions (3):

Labcorp Genetics (formerly Invitae), Labcorp
Classification: Uncertain significance for Idiopathic generalized epilepsy; Hyperaldosteronism, familial, type IV. Last evaluated: 2024-11-06. Review status: criteria provided, single submitter. Criteria: Invitae Variant Classification Sherloc (09022015). Collection method: clinical testing. Allele origin: germline.
Comment: This sequence change replaces methionine, which is neutral and non-polar, with isoleucine, which is neutral and non-polar, at codon 1731 of the CACNA1H protein (p.Met1731Ile). This variant is present in population databases (rs573262366, gnomAD 0.006%). This variant has not been reported in the literature in individuals affected with CACNA1H-related conditions. ClinVar contains an entry for this variant (Variation ID: 2381139). Invitae Evidence Modeling of protein sequence and biophysical properties (such as structural, functional, and spatial information, amino acid conservation, physicochemical variation, residue mobility, and thermodynamic stability) indicates that this missense variant is expected to disrupt CACNA1H protein function with a positive predictive value of 80%. In summary, the available evidence is currently insufficient to determine the role of this variant in disease. Therefore, it has been classified as a Variant of Uncertain Significance.

Fulgent Genetics
Classification: Uncertain significance for Epilepsy, childhood absence, susceptibility to, 6; Hyperaldosteronism, familial, type IV. Last evaluated: 2024-02-20. Review status: criteria provided, single submitter. Criteria: ACMG Guidelines, 2015. Collection method: clinical testing. Allele origin: germline.

Ambry Genetics
Classification: Uncertain significance for Inborn genetic diseases. Last evaluated: 2022-10-03. Review status: criteria provided, single submitter. Criteria: Ambry Variant Classification Scheme 2023. Collection method: clinical testing. Allele origin: germline.

NM_021098.3(CACNA1H):c.5193G>C (p.Met1731Ile)

Gene: CACNA1H (calcium voltage-gated channel subunit alpha1 H; plus strand). Cytogenetic location: 16p13.3.
Variant type: single nucleotide variant.
Coding change: c.5193G>C on transcript NM_021098.3 (MANE Select); coding-DNA position 5193, G replaced by C.
Protein change: p.Met1731Ile; replaces methionine 1731 with isoleucine.
Molecular consequence: missense variant.
Genome position (GRCh38, 1-based): chr16:1,215,542, G>C. VCF-style: chr16-1215542-G-C. GRCh37 (hg19) VCF-style: chr16-1265542-G-C.
Other names: c.5175G>C, p.Met1725Ile (NM_001005407.2); short protein forms M1725I, M1731I.
Identifiers: ClinVar variation 2381139 (VCV002381139.5), dbSNP rs573262366, ClinGen allele CA7801867.